The following is an entry in ClinVar:

NM_000057.4(BLM):c.4211C>T (p.Pro1404Leu)

Gene: BLM (BLM RecQ like helicase; plus strand). Cytogenetic location: 15q26.1.
Variant type: single nucleotide variant.
Coding change: c.4211C>T on transcript NM_000057.4 (MANE Select); coding-DNA position 4211, C replaced by T.
Protein change: p.Pro1404Leu; replaces proline 1404 with leucine.
Molecular consequence: missense variant.
Genome position (GRCh38, 1-based): chr15:90,815,236, C>T. VCF-style: chr15-90815236-C-T. GRCh37 (hg19) VCF-style: chr15-91358466-C-T.
Other names: c.4211C>T, p.Pro1404Leu (NM_001287246.2); c.3818C>T, p.Pro1273Leu (NM_001287247.2); c.3086C>T, p.Pro1029Leu (NM_001287248.2); short protein forms P1029L, P1404L, P1273L.
Identifiers: ClinVar variation 2452562 (VCV002452562.5), dbSNP rs2505575810, ClinGen allele CA393852700.
Genomic context (GRCh38, chr15:90,815,236, plus strand): 5'-ATACTTCTCAAGCGACATCAGGAGCCAATAGCAAATTGGGGATTATGGCTCCACCGAAGC[C>T]TATAAATAGACCGTTTCTTAAGCCTTCATATGCATTCTCATAACAACCGAATCTCAATGT-3'
Protein context (NP_000048.1, residues 1394-1414): SKLGIMAPPK[Pro1404Leu]INRPFLKPSY

ClinVar aggregate classification (germline): Uncertain significance. Review status: criteria provided, multiple submitters, no conflicts (2 of 4 stars). 2 submissions from 2 submitters: Uncertain significance (2). Last evaluated 2023-02-10.

Conditions:
Bloom syndrome (BLM). Also called: Bloom-Torre-Machacek syndrome. Identifiers: Orphanet 125, MedGen C0005859, MONDO:0008876, OMIM 210900.
Hereditary cancer-predisposing syndrome. Also called: Neoplastic Syndromes, Hereditary; Tumor predisposition; Hereditary neoplastic syndrome; Hereditary Cancer Syndrome. Identifiers: Orphanet 140162, MedGen C0027672, MeSH D009386, MONDO:0015356.

Submissions (2):

Ambry Genetics
Classification: Uncertain significance for Hereditary cancer-predisposing syndrome. Last evaluated: 2023-02-10. Review status: criteria provided, single submitter. Criteria: Ambry Variant Classification Scheme 2023. Collection method: clinical testing. Allele origin: germline.
Comment: The p.P1404L variant (also known as c.4211C>T), located in coding exon 21 of the BLM gene, results from a C to T substitution at nucleotide position 4211. The proline at codon 1404 is replaced by leucine, an amino acid with similar properties. This amino acid position is conserved. In addition, the in silico prediction for this alteration is inconclusive. Since supporting evidence is limited at this time, the clinical significance of this alteration remains unclear.

Labcorp Genetics (formerly Invitae), Labcorp
Classification: Uncertain significance for Bloom syndrome. Last evaluated: 2022-11-08. Review status: criteria provided, single submitter. Criteria: Invitae Variant Classification Sherloc (09022015). Collection method: clinical testing. Allele origin: germline.
Comment: In summary, the available evidence is currently insufficient to determine the role of this variant in disease. Therefore, it has been classified as a Variant of Uncertain Significance. Algorithms developed to predict the effect of missense changes on protein structure and function are either unavailable or do not agree on the potential impact of this missense change (SIFT: "Deleterious"; PolyPhen-2: "Probably Damaging"; Align-GVGD: "Class C0"). This variant has not been reported in the literature in individuals affected with BLM-related conditions. This variant is not present in population databases (gnomAD no frequency). This sequence change replaces proline, which is neutral and non-polar, with leucine, which is neutral and non-polar, at codon 1404 of the BLM protein (p.Pro1404Leu).